The following is an entry in ClinVar:

ClinVar aggregate classification (germline): Conflicting classifications of pathogenicity. Review status: criteria provided, conflicting classifications (1 of 4 stars). 3 submissions from 3 submitters: Uncertain significance (1); Likely benign (1). 1 of the submissions does not count toward it. Last evaluated 2025-06-12.

Conditions:
Hereditary cancer-predisposing syndrome. Also called: Neoplastic Syndromes, Hereditary; Tumor predisposition; Hereditary Cancer Syndrome; Hereditary neoplastic syndrome. Identifiers: Orphanet 140162, MedGen C0027672, MeSH D009386, MONDO:0015356.
Familial cancer of breast. Also called: BREAST CANCER, FAMILIAL; Hereditary breast cancer; hereditary breast carcinoma. Identifiers: Orphanet 227535, MedGen C0346153, MONDO:0016419, OMIM 114480. Disease mechanism: loss of function.

Submissions (3):

Ambry Genetics
Classification: Uncertain significance for Hereditary cancer-predisposing syndrome. Last evaluated: 2025-06-12. Review status: criteria provided, single submitter. Criteria: Ambry Variant Classification Scheme 2023. Collection method: clinical testing. Allele origin: germline.
Comment: The p.N564H variant (also known as c.1690A>C), located in coding exon 9 of the BRCA1 gene, results from an A to C substitution at nucleotide position 1690. The asparagine at codon 564 is replaced by histidine, an amino acid with similar properties. This amino acid position is poorly conserved in available vertebrate species. In addition, the in silico prediction for this alteration is inconclusive. Based on the available evidence, the clinical significance of this variant remains unclear.

University of Washington Department of Laboratory Medicine, University of Washington
Classification: Likely benign for Hereditary cancer-predisposing syndrome. Last evaluated: 2023-03-23. Review status: criteria provided, single submitter. Criteria: Dines et al. (Genet Med. 2020). Collection method: curation. Allele origin: germline.
Comment: Missense variant in a coldspot region where missense variants are very unlikely to be pathogenic (PMID:31911673).

BRCA1 coldspot (exon 11 using historical exon numbering). Reclassification based on statistical prior probability

ClinVar Staff, National Center for Biotechnology Information (NCBI)
No classification provided. Condition: Familial cancer of breast. Review status: no classification provided. Collection method: literature only. Allele origin: germline. Affected: yes. Not counted in ClinVar's aggregate classification.

Literature cited by the submitters: PubMed 20858050 (cited by ClinVar Staff, National Center for Biotechnology Information (NCBI)).

NM_007294.4(BRCA1):c.1690A>C (p.Asn564His)

Gene: BRCA1 (BRCA1 DNA repair associated; minus strand). Cytogenetic location: 17q21.31.
Variant type: single nucleotide variant.
Coding change: c.1690A>C on transcript NM_007294.4 (MANE Select); coding-DNA position 1690, A replaced by C.
Protein change: p.Asn564His; replaces asparagine 564 with histidine.
Molecular consequence: missense variant. On other transcripts: intron variant (137).
Genome position (GRCh38, 1-based): chr17:43,093,841, T>G on the plus strand (A>C on the coding strand, the complement: BRCA1 is on the minus strand). VCF-style: chr17-43093841-T-G. GRCh37 (hg19) VCF-style: chr17-41245858-T-G.
Other names: c.784+903A>C (NM_001408397.1, NM_001408401.1, NM_001408396.1 and 13 more transcripts); c.664+903A>C (NM_001408436.1, NM_001408444.1, NM_001408438.1 and 12 more transcripts); c.787+903A>C (NM_001407980.1, NM_001407993.1, NM_001407976.1 and 19 more transcripts); c.652+903A>C (NM_001408451.1); c.643+903A>C (NM_001408464.1, NM_001408468.1, NM_001408465.1 and 3 more transcripts); c.523+903A>C (NM_001408498.1, NM_001408501.1, NM_001408500.1 and 3 more transcripts); c.646+903A>C (NM_001408467.1, NM_001408459.1, NM_001408455.1 and 11 more transcripts); c.583+903A>C (NM_001408475.1); and 40 more; short protein forms N564H, N517H, N452H, N475H, N497H, N561H, N436H, N437H.
Identifiers: ClinVar variation 54326 (VCV000054326.7), dbSNP rs397507191, ClinGen allele CA001109.
Genomic context (GRCh38, chr17:43,093,841, plus strand): 5'-CTTTCGTTTTGAAAGCAGATTCTTTTTCGAGTGATTCTATTGGGTTAGGATTTTTCTCAT[T>G]CTGAATAGAATCACCTTTTGTTTTATTCTCATGACCACTATTAGTAATATTCATCACTTG-3'
Protein context (NP_009225.1, residues 554-574): ENKTKGDSIQ[Asn564His]EKNPNPIESL